The following is an entry in ClinVar:

NM_000466.3(PEX1):c.148G>A (p.Val50Ile)

Gene: PEX1 (peroxisomal biogenesis factor 1; minus strand). Cytogenetic location: 7q21.2.
Variant type: single nucleotide variant.
Coding change: c.148G>A on transcript NM_000466.3 (MANE Select); coding-DNA position 148, G replaced by A.
Protein change: p.Val50Ile; replaces valine 50 with isoleucine.
Molecular consequence: missense variant. On other transcripts: 5 prime UTR variant (1).
Genome position (GRCh38, 1-based): chr7:92,522,227, C>T on the plus strand (G>A on the coding strand, the complement: PEX1 is on the minus strand). VCF-style: chr7-92522227-C-T. GRCh37 (hg19) VCF-style: chr7-92151541-C-T.
Other names: c.148G>A, p.Val50Ile (NM_001282677.2); c.-512G>A (NM_001282678.2); short protein forms V50I.
Identifiers: ClinVar variation 1429448 (VCV001429448.5), dbSNP rs768702189, ClinGen allele CA4341672.

ClinVar aggregate classification (germline): Uncertain significance (1 of 4 stars; one submission).

Conditions:
Zellweger spectrum disorders (ZS). Also called: Zellweger Spectrum Disorder; Zellweger Spectrum; Zellweger syndrome; Zellweger Spectrum Disorder (ZSD). Identifiers: Orphanet 912, MedGen C0043459, MONDO:0019609.

Allele frequency attached by ClinVar (database versions not stated): ExAC 0.00001; gnomAD exomes 0.00001; TOPMed 0.00002; gnomAD 0.00003.
gnomAD v4.1: 14 of 1,613,918 alleles (0.00087%); highest among the groups gnomAD compares: Admixed American, 0.0033%; no homozygotes.

Submission:

Labcorp Genetics (formerly Invitae), Labcorp
Classification: Uncertain significance for Zellweger spectrum disorders. Last evaluated: 2022-08-20. Review status: criteria provided, single submitter. Criteria: Invitae Variant Classification Sherloc (09022015). Collection method: clinical testing. Allele origin: germline.
Comment: This sequence change replaces valine, which is neutral and non-polar, with isoleucine, which is neutral and non-polar, at codon 50 of the PEX1 protein (p.Val50Ile). This variant is present in population databases (rs768702189, gnomAD 0.002%). This variant has not been reported in the literature in individuals affected with PEX1-related conditions. ClinVar contains an entry for this variant (Variation ID: 1429448). Algorithms developed to predict the effect of missense changes on protein structure and function (SIFT, PolyPhen-2, Align-GVGD) all suggest that this variant is likely to be tolerated. In summary, the available evidence is currently insufficient to determine the role of this variant in disease. Therefore, it has been classified as a Variant of Uncertain Significance.